The following is an entry in ClinVar:

ClinVar aggregate classification (germline): Likely benign. Review status: criteria provided, multiple submitters, no conflicts (2 of 4 stars). 3 submissions from 3 submitters: Likely benign (2). 1 of the submissions does not count toward it. Last evaluated 2026-06-01.

Conditions:
NOVA2-related disorder. Also called: NOVA2-related condition.

Allele frequency attached by ClinVar (database versions not stated): ESP Exome Variant Server 0.00031; TOPMed 0.00045; gnomAD exomes 0.00080 and 0.00037; gnomAD 0.00034 and 0.00038; ExAC 0.00035.
gnomAD v4.1: 1,211 of 1,614,030 alleles (0.075%); highest among the groups gnomAD compares: Non-Finnish European, 0.094%; no homozygotes.

Submissions (3):

CeGaT Center for Human Genetics Tuebingen
Classification: Likely benign. Last evaluated: 2026-06-01. Review status: criteria provided, single submitter. Criteria: CeGaT Center For Human Genetics Tuebingen Variant Classification Criteria Version 2. Collection method: clinical testing. Allele origin: germline. Affected: yes. Observed: 2 variant alleles.
Comment: NOVA2: BP4, BP7

Blueprint Genetics
Classification: Likely benign. Last evaluated: 2024-10-01. Review status: criteria provided, single submitter. Criteria: ACMG Guidelines, 2015. Collection method: clinical testing. Allele origin: germline.

PreventionGenetics, part of Exact Sciences
Classification: Likely benign for NOVA2-related condition. Last evaluated: 2024-06-08. Review status: no assertion criteria provided. Collection method: clinical testing. Allele origin: germline. Not counted in ClinVar's aggregate classification.
Comment: This variant is classified as likely benign based on ACMG/AMP sequence variant interpretation guidelines (Richards et al. 2015 PMID: 25741868, with internal and published modifications).

NM_002516.4(NOVA2):c.381C>T (p.Pro127=)

Gene: NOVA2 (NOVA alternative splicing regulator 2; minus strand). Cytogenetic location: 19q13.32.
Variant type: single nucleotide variant.
Coding change: c.381C>T on transcript NM_002516.4 (MANE Select); coding-DNA position 381, C replaced by T.
Protein change: p.Pro127=; no amino-acid change (proline 127 retained).
Molecular consequence: synonymous variant.
Genome position (GRCh38, 1-based): chr19:45,953,795, G>A on the plus strand (C>T on the coding strand, the complement: NOVA2 is on the minus strand). VCF-style: chr19-45953795-G-A. GRCh37 (hg19) VCF-style: chr19-46457053-G-A.
Other names: c.381C>T (NM_002516.3).
Identifiers: ClinVar variation 1298776 (VCV001298776.36), dbSNP rs148155367, ClinGen allele CA9525437.